The following is an entry in ClinVar:

NM_001164508.2(NEB):c.23742G>A (p.Ser7914=)

Genes: NEB (nebulin; minus strand), RIF1 (replication timing regulatory factor 1; plus strand). Cytogenetic location: 2q23.3.
Variant type: single nucleotide variant.
Coding change: c.23742G>A on transcript NM_001164508.2 (MANE Select); coding-DNA position 23742, G replaced by A.
Protein change: p.Ser7914=; no amino-acid change (serine 7914 retained).
Molecular consequence: synonymous variant.
Genome position (GRCh38, 1-based): chr2:151,505,478, C>T on the plus strand (G>A on the coding strand, the complement: NEB is on the minus strand). VCF-style: chr2-151505478-C-T. GRCh37 (hg19) VCF-style: chr2-152361992-C-T.
Other names: c.23742G>A, p.Ser7914= (NM_001164507.2); c.23847G>A, p.Ser7949= (NM_001271208.2); c.18639G>A, p.Ser6213= (NM_004543.5).
Identifiers: ClinVar variation 2198464 (VCV002198464.1), dbSNP rs377751674, ClinGen allele CA1906271.

ClinVar aggregate classification (germline): Uncertain significance (1 of 4 stars; one submission).

Conditions:
Nemaline myopathy 2 (NEM2). Also called: Nemaline myopathy 2, autosomal recessive. Identifiers: MedGen C1850569, MONDO:0009725, OMIM 256030.

Allele frequency attached by ClinVar (database versions not stated): TOPMed below 0.00001; ExAC 0.00001; gnomAD 0.00001; gnomAD exomes 0.00001; ESP Exome Variant Server 0.00008.
gnomAD v4.1: 12 of 1,613,046 alleles (0.00074%); highest among the groups gnomAD compares: East Asian, 0.0045%; no homozygotes.

Submission:

Labcorp Genetics (formerly Invitae), Labcorp
Classification: Uncertain significance for Nemaline myopathy 2. Last evaluated: 2021-12-09. Review status: criteria provided, single submitter. Criteria: Invitae Variant Classification Sherloc (09022015). Collection method: clinical testing. Allele origin: germline.
Comment: This sequence change affects codon 7949 of the NEB mRNA. It is a 'silent' change, meaning that it does not change the encoded amino acid sequence of the NEB protein. This variant also falls at the last nucleotide of exon 166, which is part of the consensus splice site for this exon. This variant is present in population databases (rs377751674, gnomAD 0.003%). This variant has not been reported in the literature in individuals affected with NEB-related conditions. Variants that disrupt the consensus splice site are a relatively common cause of aberrant splicing (PMID: 17576681, 9536098). Algorithms developed to predict the effect of sequence changes on RNA splicing suggest that this variant may disrupt the consensus splice site. In summary, the available evidence is currently insufficient to determine the role of this variant in disease. Therefore, it has been classified as a Variant of Uncertain Significance.

Literature cited by the submitters: PubMed 17576681; PubMed 9536098.